The following is an entry in ClinVar:

NM_024675.4(PALB2):c.314_315del (p.Glu105fs)

Gene: PALB2 (partner and localizer of BRCA2; minus strand). Cytogenetic location: 16p12.2.
Variant type: Deletion.
Coding change: c.314_315del on transcript NM_024675.4 (MANE Select); coding-DNA positions 314 to 315, 2 bases deleted (AG; older notation c.314_315delAG).
Protein change: p.Glu105fs; shifts the reading frame from glutamic acid 105.
Molecular consequence: frameshift variant.
Genome position (GRCh38, 1-based): chr16:23,636,231-23,636,232, CT deleted on the plus strand (AG on the coding strand, the reverse complement: PALB2 is on the minus strand); deleting any 2 consecutive bases within chr16:23,636,231-23,636,233 gives the same sequence; the c. name uses the placement nearest the transcript's 3' end. VCF-style (leftmost placement, unchanged base first): chr16-23636230-ACT-A. GRCh37 (hg19) VCF-style: chr16-23647551-ACT-A.
Other names: c.314_315delAG (NM_024675.3); short protein forms E105fs.
Identifiers: ClinVar variation 847783 (VCV000847783.11), dbSNP rs1967055393, ClinGen allele CA916081836.

ClinVar aggregate classification (germline): Pathogenic/Likely pathogenic. Review status: criteria provided, multiple submitters, no conflicts (2 of 4 stars). 4 submissions from 4 submitters: Pathogenic (3); Likely pathogenic (1). Last evaluated 2026-01-22.

Conditions:
Familial cancer of breast. Also called: Hereditary breast cancer; BREAST CANCER, FAMILIAL; hereditary breast carcinoma. Identifiers: Orphanet 227535, MedGen C0346153, MONDO:0016419, OMIM 114480. Disease mechanism: loss of function.
Hereditary cancer-predisposing syndrome. Also called: Hereditary Cancer Syndrome; Tumor predisposition; Neoplastic Syndromes, Hereditary; Hereditary neoplastic syndrome. Identifiers: Orphanet 140162, MedGen C0027672, MeSH D009386, MONDO:0015356.

Submissions (4):

Ambry Genetics
Classification: Pathogenic for Hereditary cancer-predisposing syndrome. Last evaluated: 2026-01-22. Review status: criteria provided, single submitter. Criteria: Ambry Variant Classification Scheme 2023. Collection method: clinical testing. Allele origin: germline.
Comment: The c.314_315delAG pathogenic mutation, located in coding exon 4 of the PALB2 gene, results from a deletion of two nucleotides at nucleotide positions 314 to 315, causing a translational frameshift with a predicted alternate stop codon (p.E105Vfs*3). This variant is considered to be rare based on population cohorts in the Genome Aggregation Database (gnomAD). This alteration is expected to result in loss of function by premature protein truncation or nonsense-mediated mRNA decay. As such, this alteration is interpreted as a disease-causing mutation.

Quest Diagnostics Nichols Institute San Juan Capistrano
Classification: Likely pathogenic. Last evaluated: 2025-08-05. Review status: criteria provided, single submitter. Criteria: Quest Diagnostics criteria. Collection method: clinical testing. Allele origin: unknown.
Comment: The PALB2 c.314_315del (p.Glu105Valfs*3) variant alters the translational reading frame of the PALB2 mRNA and is predicted to cause the premature termination of PALB2 protein synthesis. This variant has not been reported in individuals with PALB2-related conditions in the published literature. This variant has not been reported in large, multi-ethnic general populations (Genome Aggregation Database). Based on the available information, this variant is classified as likely pathogenic.

Myriad Genetics, Inc.
Classification: Pathogenic for Familial cancer of breast. Last evaluated: 2023-09-06. Review status: criteria provided, single submitter. Criteria: Myriad Autosomal Dominant, Autosomal Recessive and X-Linked Classification Criteria (2023). Collection method: clinical testing. Allele origin: unknown.
Comment: This variant is considered pathogenic. This variant creates a frameshift predicted to result in premature protein truncation.

Labcorp Genetics (formerly Invitae), Labcorp
Classification: Pathogenic for Familial cancer of breast. Last evaluated: 2020-03-16. Review status: criteria provided, single submitter. Criteria: Invitae Variant Classification Sherloc (09022015). Collection method: clinical testing. Allele origin: germline.
Comment: This variant is not present in population databases (ExAC no frequency). This variant has not been reported in the literature in individuals with PALB2-related conditions. Loss-of-function variants in PALB2 are known to be pathogenic (PMID: 17200668, 24136930, 25099575). For these reasons, this variant has been classified as Pathogenic. This sequence change creates a premature translational stop signal (p.Glu105Valfs*3) in the PALB2 gene. It is expected to result in an absent or disrupted protein product.

Literature cited by the submitters: PubMed 17200668 (cited by Labcorp Genetics (formerly Invitae), Labcorp); PubMed 24136930 (cited by Labcorp Genetics (formerly Invitae), Labcorp); PubMed 25099575 (cited by Labcorp Genetics (formerly Invitae), Labcorp).